The following is an entry in ClinVar:

ClinVar aggregate classification (germline): Uncertain significance (1 of 4 stars; one submission).

Conditions:
Dilated cardiomyopathy 1AA (CMD1AA). Also called: CARDIOMYOPATHY, DILATED, 1AA, WITH OR WITHOUT LEFT VENTRICULAR NONCOMPACTION; CARDIOMYOPATHY, FAMILIAL HYPERTROPHIC, 23, WITH OR WITHOUT LEFT VENTRICULAR NONCOMPACTION; Cardiomyopathy, dilated, 1AA, with or without LVNC. Identifiers: Orphanet 154, MedGen C2677338, MONDO:0012808, OMIM 612158.

Submission:

3billion
Classification: Uncertain significance for Dilated cardiomyopathy 1AA. Last evaluated: 2025-11-18. Review status: criteria provided, single submitter. Criteria: ACMG Guidelines, 2015. Collection method: clinical testing. Allele origin: germline. Affected: yes.
Comment: The variant is not observed in the gnomAD v4.1.0 dataset. Predicted Consequence/Location: Missense variant In silico tool predictions suggest damaging effect of the variant on gene or gene product [REVEL: 0.74 (>=0.6, sensitivity 0.68 and specificity 0.92)]. Therefore, this variant is classified as VUS according to the recommendation of ACMG/AMP guideline.

NM_001103.4(ACTN2):c.665A>C (p.His222Pro)

Gene: ACTN2 (actinin alpha 2; plus strand). Cytogenetic location: 1q43.
Variant type: single nucleotide variant.
Coding change: c.665A>C on transcript NM_001103.4 (MANE Select); coding-DNA position 665, A replaced by C.
Protein change: p.His222Pro; replaces histidine 222 with proline.
Molecular consequence: missense variant. On other transcripts: non-coding transcript variant (1).
Genome position (GRCh38, 1-based): chr1:236,731,282, A>C. VCF-style: chr1-236731282-A-C. GRCh37 (hg19) VCF-style: chr1-236894582-A-C.
Other names: c.665A>C, p.His222Pro (NM_001278343.2); short protein forms H222P.
Identifiers: ClinVar variation 4854062 (VCV004854062.1).
Genomic context (GRCh38, chr1:236,731,282, plus strand): 5'-TTTTCATACAGGATGACCCCATAGGAAATATTAACCTGGCCATGGAAATCGCTGAGAAGC[A>C]CCTGGATATTCCTAAAATGTTGGATGCTGAAGGTGAGATGAAAATTGTGTTTGCTGAGTT-3'
Protein context (NP_001094.1, residues 212-232): INLAMEIAEK[His222Pro]LDIPKMLDAE